The following is an entry in ClinVar:

ClinVar aggregate classification (germline): Uncertain significance (1 of 4 stars; one submission).

Conditions:
Pheochromocytoma/paraganglioma syndrome 4. Also called: CAROTID BODY TUMORS AND MULTIPLE EXTRAADRENAL PHEOCHROMOCYTOMAS; SDHB-Related Hereditary Paraganglioma-Pheochromocytoma Syndrome; Paragangliomas 4; SDHB-Related Hereditary Paraganglioma-Pheochromocytoma Syndrome (Paragangliomas 4); PARAGANGLIOMA, FAMILIAL MALIGNANT; PARAGANGLIOMAS, HEREDITARY EXTRAADRENAL. Identifiers: Orphanet 29072, MedGen C1861848, MONDO:0007273, OMIM 115310.
Gastrointestinal stromal tumor. Also called: Gastrointestinal stromal tumor, somatic; Gastrointestinal stroma tumor. Identifiers: Orphanet 44890, MedGen C0238198, MeSH D046152, MONDO:0011719, OMIM 606764, HP:0100723.
Pheochromocytoma. Also called: MAX-Related Hereditary Paraganglioma-Pheochromocytoma Syndrome. Identifiers: Orphanet 29072, MedGen C0031511, MONDO:0008233, OMIM 171300, HP:0002666.

Submission:

Labcorp Genetics (formerly Invitae), Labcorp
Classification: Uncertain significance for Gastrointestinal stromal tumor; Pheochromocytoma/paraganglioma syndrome 4; Pheochromocytoma. Last evaluated: 2022-10-12. Review status: criteria provided, single submitter. Criteria: Invitae Variant Classification Sherloc (09022015). Collection method: clinical testing. Allele origin: germline.
Comment: This variant results in a copy number gain of the genomic region encompassing exon(s) 2-8 of the SDHB gene. This region includes the termination codon of the gene. This copy number gain extends beyond the assayed region for this gene and therefore may encompass additional genes. As the precise location of this event is unknown, it may be in tandem or it may be located elsewhere in the genome. This variant has not been reported in the literature in individuals affected with SDHB-related conditions. In summary, the available evidence is currently insufficient to determine the role of this variant in disease. Therefore, it has been classified as a Variant of Uncertain Significance.

NC_000001.10:g.(?_17345376)_(17371393_?)dup

Gene: SDHB (succinate dehydrogenase complex iron sulfur subunit B; minus strand). Cytogenetic location: 1p36.13.
Variant type: Duplication.
Identifiers: ClinVar variation 999577 (VCV000999577.13).